The following is an entry in ClinVar:

NM_144992.5(VWA3B):c.1333del (p.His445fs)

Gene: VWA3B (von Willebrand factor A domain containing 3B; plus strand). Cytogenetic location: 2q11.2.
Variant type: Deletion.
Coding change: c.1333del on transcript NM_144992.5 (MANE Select); coding-DNA position 1333, one base deleted (C; older notation c.1333delC).
Protein change: p.His445fs; shifts the reading frame from histidine 445.
Molecular consequence: frameshift variant.
Genome position (GRCh38, 1-based): chr2:98,187,996, C deleted; the last of 2 consecutive C bases (chr2:98,187,995-98,187,996); deleting either gives the same sequence. VCF-style (leftmost placement, unchanged base first): chr2-98187994-TC-T. GRCh37 (hg19) VCF-style: chr2-98804457-TC-T.
Other names: c.304del, p.His102fs (NM_001345864.2); short protein forms H102fs, H445fs.
Identifiers: ClinVar variation 4998856 (VCV004998856.1).

ClinVar aggregate classification (germline): Uncertain significance (1 of 4 stars; one submission).

Conditions:
VWA3B-related disorder. Also called: VWA3B-related condition.

Submission:

PreventionGenetics, part of Exact Sciences
Classification: Uncertain significance for VWA3B-related condition. Last evaluated: 2025-03-27. Review status: criteria provided, single submitter. Criteria: ACMG Guidelines, 2015. Collection method: clinical testing. Allele origin: germline.
Comment: The VWA3B c.1333delC variant is predicted to result in a frameshift and premature protein termination (p.His445Metfs*75). To our knowledge, this variant has not been reported in the literature or in a large population database (gnomAD), indicating this variant is rare. At this time, the clinical significance of this variant is uncertain due to the absence of conclusive functional and genetic evidence.